The following is an entry in ClinVar:

ClinVar aggregate classification (germline): Conflicting classifications of pathogenicity. Review status: criteria provided, conflicting classifications (1 of 4 stars). 3 submissions from 3 submitters: Uncertain significance (2); Likely benign (1). Last evaluated 2024-06-04.

Conditions:
Inborn genetic diseases. Identifiers: MedGen C0950123, MeSH D030342.

Allele frequency attached by ClinVar (database versions not stated): gnomAD exomes 0.00001 and 0.00007; TOPMed 0.00001.

Submissions (3):

Ambry Genetics
Classification: Uncertain significance for Inborn genetic diseases. Last evaluated: 2024-06-04. Review status: criteria provided, single submitter. Criteria: Ambry Variant Classification Scheme 2023. Collection method: clinical testing. Allele origin: germline.

Labcorp Genetics (formerly Invitae), Labcorp
Classification: Likely benign. Last evaluated: 2024-06-03. Review status: criteria provided, single submitter. Criteria: Invitae Variant Classification Sherloc (09022015). Collection method: clinical testing. Allele origin: germline.

CeGaT Center for Human Genetics Tuebingen
Classification: Uncertain significance. Last evaluated: 2024-01-01. Review status: criteria provided, single submitter. Criteria: CeGaT Center For Human Genetics Tuebingen Variant Classification Criteria Version 2. Collection method: clinical testing. Allele origin: germline. Affected: yes. Observed: 1 variant allele.
Comment: STAG2: PM2, PP2

NM_001042750.2(STAG2):c.3169A>G (p.Met1057Val)

Gene: STAG2 (STAG2 cohesin complex component; plus strand). Cytogenetic location: Xq25.
Variant type: single nucleotide variant.
Coding change: c.3169A>G on transcript NM_001042750.2 (MANE Select); coding-DNA position 3169, A replaced by G.
Protein change: p.Met1057Val; replaces methionine 1057 with valine.
Molecular consequence: missense variant.
Genome position (GRCh38, 1-based): chrX:124,086,662, A>G. VCF-style: chrX-124086662-A-G. GRCh37 (hg19) VCF-style: chrX-123220512-A-G.
Other names: c.3169A>G, p.Met1057Val (NM_001042749.2, NM_001042751.2, NM_001282418.2 and 13 more transcripts); c.3169A>G (NM_001042749.1); short protein forms M1057V.
Identifiers: ClinVar variation 1494685 (VCV001494685.29), dbSNP rs1481946219, ClinGen allele CA414280967.